The following is an entry in ClinVar:

ClinVar aggregate classification (germline): Uncertain significance (1 of 4 stars; one submission).

Submission:

Labcorp Genetics (formerly Invitae), Labcorp
Classification: Uncertain significance. Last evaluated: 2023-01-30. Review status: criteria provided, single submitter. Criteria: Invitae Variant Classification Sherloc (09022015). Collection method: clinical testing. Allele origin: germline.
Comment: This sequence change falls in intron 33 of the BRWD3 gene. It does not directly change the encoded amino acid sequence of the BRWD3 protein. This variant is not present in population databases (gnomAD no frequency). In summary, the available evidence is currently insufficient to determine the role of this variant in disease. Therefore, it has been classified as a Variant of Uncertain Significance. Algorithms developed to predict the effect of sequence changes on RNA splicing suggest that this variant may disrupt the consensus splice site. This variant has not been reported in the literature in individuals affected with BRWD3-related conditions.

NM_153252.5(BRWD3):c.3808-5T>G

Gene: BRWD3 (bromodomain and WD repeat domain containing 3; minus strand). Cytogenetic location: Xq21.1.
Variant type: single nucleotide variant.
Coding change: c.3808-5T>G on transcript NM_153252.5 (MANE Select); 5 bases into the intron before coding-DNA position 3808, T replaced by G.
Molecular consequence: intron variant.
Genome position (GRCh38, 1-based): chrX:80,688,130, A>C on the plus strand (T>G on the coding strand, the complement: BRWD3 is on the minus strand). VCF-style: chrX-80688130-A-C. GRCh37 (hg19) VCF-style: chrX-79943629-A-C.
Identifiers: ClinVar variation 2809269 (VCV002809269.3), dbSNP rs925880964, ClinGen allele CA2739273598.